The following is an entry in ClinVar:

NM_000138.5(FBN1):c.6997+272G>A

Gene: FBN1 (fibrillin 1; minus strand). Cytogenetic location: 15q21.1.
Variant type: single nucleotide variant.
Coding change: c.6997+272G>A on transcript NM_000138.5 (MANE Select); 272 bases into the intron after coding-DNA position 6997, G replaced by A.
Molecular consequence: intron variant.
Genome position (GRCh38, 1-based): chr15:48,428,074, C>T on the plus strand (G>A on the coding strand, the complement: FBN1 is on the minus strand). VCF-style: chr15-48428074-C-T. GRCh37 (hg19) VCF-style: chr15-48720271-C-T.
Identifiers: ClinVar variation 680579 (VCV000680579.4), dbSNP rs3929051, ClinGen allele CA15838119.

ClinVar aggregate classification (germline): Benign. Review status: criteria provided, multiple submitters, no conflicts (2 of 4 stars). 3 submissions from 3 submitters: Benign (3). Last evaluated 2024-01-24.

Allele frequency attached by ClinVar (database versions not stated): gnomAD 0.74907; TOPMed 0.76052; 1000 Genomes Project 30x 0.78545; 1000 Genomes Project 0.78974; gnomAD exomes 0.79122.
gnomAD v4.1: 497,130 of 634,532 alleles (78%); highest among the groups gnomAD compares: East Asian, 89%; 195,659 homozygotes.

Submissions (3):

Unidad de Genómica Garrahan, Hospital de Pediatría Garrahan
Classification: Benign. Last evaluated: 2024-01-24. Review status: criteria provided, single submitter. Criteria: ACMG Guidelines, 2015. Collection method: clinical testing. Allele origin: germline. Affected: no. Observed: 33 variant alleles.
Comment: This variant is classified as Benign based on local population frequency. This variant was detected in 38% of patients studied by a panel of primary immunodeficiencies. Number of patients: 33. Only high quality variants are reported.

GeneDx
Classification: Benign. Last evaluated: 2018-06-14. Review status: criteria provided, single submitter. Criteria: GeneDx Variant Classification (06012015). Collection method: clinical testing. Allele origin: germline. Affected: yes.
Comment: This variant is considered likely benign or benign based on one or more of the following criteria: it is a conservative change, it occurs at a poorly conserved position in the protein, it is predicted to be benign by multiple in silico algorithms, and/or has population frequency not consistent with disease.

Breakthrough Genomics
Classification: Benign. Review status: criteria provided, single submitter. Criteria: ACMG Guidelines, 2015. Collection method: not provided. Allele origin: germline. Inheritance: Autosomal dominant inheritance. Affected: yes.